The following is an entry in ClinVar:

ClinVar aggregate classification (germline): Uncertain significance (1 of 4 stars; one submission).

Conditions:
NPHP4-related disorder. Also called: NPHP4-related condition; NPHP4-related disorders. Identifiers: MedGen CN239384.

Submission:

PreventionGenetics, part of Exact Sciences
Classification: Uncertain significance for NPHP4-related condition. Last evaluated: 2026-02-24. Review status: criteria provided, single submitter. Criteria: ACMG Guidelines, 2015. Collection method: clinical testing. Allele origin: germline.
Comment: The NPHP4 c.1034T>C variant is predicted to result in the amino acid substitution p.Leu345Pro. To our knowledge, this variant has not been reported in the literature or in a large population database (gnomAD), indicating this variant is rare. At this time, the clinical significance of this variant is uncertain due to the absence of conclusive functional and genetic evidence.

NM_015102.5(NPHP4):c.1034T>C (p.Leu345Pro)

Gene: NPHP4 (nephrocystin 4; minus strand). Cytogenetic location: 1p36.31.
Variant type: single nucleotide variant.
Coding change: c.1034T>C on transcript NM_015102.5 (MANE Select); coding-DNA position 1034, T replaced by C.
Protein change: p.Leu345Pro; replaces leucine 345 with proline.
Molecular consequence: missense variant. On other transcripts: 5 prime UTR variant (2), non-coding transcript variant (1).
Genome position (GRCh38, 1-based): chr1:5,947,189, A>G on the plus strand (T>C on the coding strand, the complement: NPHP4 is on the minus strand). VCF-style: chr1-5947189-A-G. GRCh37 (hg19) VCF-style: chr1-6007249-A-G.
Other names: c.-333T>C (NM_001291593.2, NM_001291594.2); short protein forms L345P.
Identifiers: ClinVar variation 4978195 (VCV004978195.1).